The following is an entry in ClinVar:

ClinVar aggregate classification (germline): Uncertain significance (1 of 4 stars; one submission).

Submission:

GeneDx
Classification: Uncertain significance. Last evaluated: 2019-04-09. Review status: criteria provided, single submitter. Criteria: GeneDx Variant Classification Process June 2021. Collection method: clinical testing. Allele origin: germline. Affected: yes.
Comment: Not observed in large population cohorts (Lek et al., 2016); In silico analysis, which includes protein predictors and evolutionary conservation, supports a deleterious effect; Has not been previously published as pathogenic or benign to our knowledge

NM_004859.4(CLTC):c.2060C>T (p.Ser687Phe)

Gene: CLTC (clathrin heavy chain; plus strand). Cytogenetic location: 17q23.1.
Variant type: single nucleotide variant.
Coding change: c.2060C>T on transcript NM_004859.4 (MANE Select); coding-DNA position 2060, C replaced by T.
Protein change: p.Ser687Phe; replaces serine 687 with phenylalanine.
Molecular consequence: missense variant.
Genome position (GRCh38, 1-based): chr17:59,666,909, C>T. VCF-style: chr17-59666909-C-T. GRCh37 (hg19) VCF-style: chr17-57744270-C-T.
Other names: c.2072C>T, p.Ser691Phe (NM_001288653.2); short protein forms S687F, S691F.
Identifiers: ClinVar variation 1308527 (VCV001308527.2), dbSNP rs2143556685, ClinGen allele CA400429067.